The following is an entry in ClinVar:

NM_017514.5(PLXNA3):c.196C>T (p.His66Tyr)

Gene: PLXNA3 (plexin A3; plus strand). Cytogenetic location: Xq28.
Variant type: single nucleotide variant.
Coding change: c.196C>T on transcript NM_017514.5 (MANE Select); coding-DNA position 196, C replaced by T.
Protein change: p.His66Tyr; replaces histidine 66 with tyrosine.
Molecular consequence: missense variant.
Genome position (GRCh38, 1-based): chrX:154,460,379, C>T. VCF-style: chrX-154460379-C-T. GRCh37 (hg19) VCF-style: chrX-153688719-C-T.
Other names: short protein forms H66Y.
Identifiers: ClinVar variation 2661821 (VCV002661821.24), dbSNP rs782118070, ClinGen allele CA10563620.

ClinVar aggregate classification (germline): Likely benign (1 of 4 stars; one submission).

Allele frequency attached by ClinVar (database versions not stated): gnomAD exomes 0.00001; ExAC 0.00004; TOPMed 0.00004.

Submission:

CeGaT Center for Human Genetics Tuebingen
Classification: Likely benign. Last evaluated: 2022-12-01. Review status: criteria provided, single submitter. Criteria: CeGaT Center For Human Genetics Tuebingen Variant Classification Criteria Version 2. Collection method: clinical testing. Allele origin: germline. Affected: yes. Observed: 1 variant allele.
Comment: PLXNA3: BS2